The following is an entry in ClinVar:

NM_001322934.2(NFKB2):c.1282A>G (p.Arg428Gly)

Genes: NFKB2 (nuclear factor kappa B subunit 2; plus strand), LOC130004599 (ATAC-STARR-seq lymphoblastoid silent region 2756; plus strand). Cytogenetic location: 10q24.32.
Variant type: single nucleotide variant.
Coding change: c.1282A>G on transcript NM_001322934.2 (MANE Select); coding-DNA position 1282, A replaced by G.
Protein change: p.Arg428Gly; replaces arginine 428 with glycine.
Molecular consequence: missense variant.
Genome position (GRCh38, 1-based): chr10:102,399,452, A>G. VCF-style: chr10-102399452-A-G. GRCh37 (hg19) VCF-style: chr10-104159209-A-G.
Other names: c.1282A>G, p.Arg428Gly (NM_001077493.1, NM_001077494.3, NM_001261403.3 and 2 more transcripts); c.1156A>G, p.Arg386Gly (NM_001322935.1); short protein forms R386G, R428G.
Identifiers: ClinVar variation 2634647 (VCV002634647.1), dbSNP rs2544590266, ClinGen allele CA377899274.

ClinVar aggregate classification (germline): Uncertain significance (1 of 4 stars; one submission).

Conditions:
NFKB2-related disorder. Also called: NFKB2-related condition.

Allele frequency attached by ClinVar (database versions not stated): gnomAD exomes below 0.00001.

Submission:

PreventionGenetics, part of Exact Sciences
Classification: Uncertain significance for NFKB2-related condition. Last evaluated: 2023-08-01. Review status: criteria provided, single submitter. Criteria: ACMG Guidelines, 2015. Collection method: clinical testing. Allele origin: germline.
Comment: The NFKB2 c.1282A>G variant is predicted to result in the amino acid substitution p.Arg428Gly. To our knowledge, this variant has not been reported in the literature or in a large population database, indicating this variant is rare. At this time, the clinical significance of this variant is uncertain due to the absence of conclusive functional and genetic evidence.